The following is an entry in ClinVar:

NM_004958.4(MTOR):c.1483C>T (p.Pro495Ser)

Gene: MTOR (mechanistic target of rapamycin kinase; minus strand). Cytogenetic location: 1p36.22.
Variant type: single nucleotide variant.
Coding change: c.1483C>T on transcript NM_004958.4 (MANE Select); coding-DNA position 1483, C replaced by T.
Protein change: p.Pro495Ser; replaces proline 495 with serine.
Molecular consequence: missense variant.
Genome position (GRCh38, 1-based): chr1:11,241,611, G>A on the plus strand (C>T on the coding strand, the complement: MTOR is on the minus strand). VCF-style: chr1-11241611-G-A. GRCh37 (hg19) VCF-style: chr1-11301668-G-A.
Other names: c.1483C>T, p.Pro495Ser (NM_001386500.1); c.235C>T, p.Pro79Ser (NM_001386501.1); short protein forms P495S, P79S.
Identifiers: ClinVar variation 3362097 (VCV003362097.1).

ClinVar aggregate classification (germline): Uncertain significance (1 of 4 stars; one submission).

Submission:

GeneDx
Classification: Uncertain significance. Last evaluated: 2023-07-30. Review status: criteria provided, single submitter. Criteria: GeneDx Variant Classification Process June 2021. Collection method: clinical testing. Allele origin: germline. Affected: yes.
Comment: Not observed at significant frequency in large population cohorts (gnomAD); In silico analysis supports that this missense variant does not alter protein structure/function; Has not been previously published as pathogenic or benign to our knowledge